The following is an entry in ClinVar:

NM_001270974.2(HYDIN):c.13402-2A>G

Gene: HYDIN (HYDIN axonemal central pair apparatus protein; minus strand). Cytogenetic location: 16q22.2.
Variant type: single nucleotide variant.
Coding change: c.13402-2A>G on transcript NM_001270974.2 (MANE Select); the canonical splice acceptor site of the intron before coding-DNA position 13402, A replaced by G.
Molecular consequence: splice acceptor variant.
Genome position (GRCh38, 1-based): chr16:70,834,166, T>C on the plus strand (A>G on the coding strand, the complement: HYDIN is on the minus strand). VCF-style: chr16-70834166-T-C. GRCh37 (hg19) VCF-style: chr16-70868069-T-C.
Identifiers: ClinVar variation 2584824 (VCV002584824.1), dbSNP rs1270003368, ClinGen allele CA396595193.

ClinVar aggregate classification (germline): Likely pathogenic (1 of 4 stars; one submission).

Conditions:
Primary ciliary dyskinesia 5. Also called: CILIARY DYSKINESIA, PRIMARY, 5, WITHOUT SITUS INVERSUS. Identifiers: Orphanet 244, MedGen C1837615, MONDO:0012088, OMIM 608647.

Submission:

Neuberg Centre For Genomic Medicine, NCGM
Classification: Likely pathogenic for Primary ciliary dyskinesia 5. Review status: criteria provided, single submitter. Criteria: ACMG Guidelines, 2015. Collection method: clinical testing. Allele origin: germline. Inheritance: Autosomal recessive inheritance. Affected: yes.
Comment: The splice site variant c.13402-2A>G in HYDIN gene has not been reported previously as a pathogenic variant nor as a benign variant, to our knowledge. The c.13402-2A>G variant is novel (not in any individuals) in gnomAD Exomes and 1000 Genomes. The variant affects an invariant splice nucleotide and is expected to cause loss of function. Loss of function variants have been previously reported to be disease causing. For these reasons, this variant has been classified as Likely Pathogenic.